The following is an entry in ClinVar:

ClinVar aggregate classification (germline): Conflicting classifications of pathogenicity. Review status: criteria provided, conflicting classifications (1 of 4 stars). 7 submissions from 7 submitters: Uncertain significance (1); Likely benign (5). 1 of the submissions does not count toward it. Last evaluated 2025-11-05.

Conditions:
NDRG1-related disorder. Also called: NDRG1-related condition.
Charcot-Marie-Tooth disease type 4D. Also called: CHARCOT-MARIE-TOOTH DISEASE, DEMYELINATING, TYPE 4D; NEUROPATHY, HEREDITARY MOTOR AND SENSORY, LOM TYPE; CHARCOT-MARIE-TOOTH DISEASE, DEMYELINATING, AUTOSOMAL RECESSIVE, TYPE 4D; Charcot-Marie-Tooth Neuropathy Type 4D. Identifiers: Orphanet 99950, MedGen C1832334, MONDO:0011085, OMIM 601455.
Charcot-Marie-Tooth disease type 4. Also called: Charcot-Marie-Tooth disease, type IV; Charcot-Marie-Tooth, Type 4. Identifiers: Orphanet 64749, MedGen C4082197, MONDO:0018995.
Inborn genetic diseases. Identifiers: MedGen C0950123, MeSH D030342.

Allele frequency attached by ClinVar (database versions not stated): gnomAD 0.00009; gnomAD exomes 0.00009 and 0.00022; TOPMed 0.00009; ESP Exome Variant Server 0.00015; ExAC 0.00022.
gnomAD v4.1: 155 of 1,613,900 alleles (0.0096%); highest among the groups gnomAD compares: South Asian, 0.0033%; no homozygotes.

Submissions (7):

Labcorp Genetics (formerly Invitae), Labcorp
Classification: Likely benign for Charcot-Marie-Tooth disease type 4. Last evaluated: 2025-11-05. Review status: criteria provided, single submitter. Criteria: Invitae Variant Classification Sherloc (09022015). Collection method: clinical testing. Allele origin: germline.

PreventionGenetics, part of Exact Sciences
Classification: Likely benign for NDRG1-related condition. Last evaluated: 2025-09-23. Review status: criteria provided, single submitter. Criteria: ACMG Guidelines, 2015. Collection method: clinical testing. Allele origin: germline.
Comment: This variant is classified as likely benign based on ACMG/AMP sequence variant interpretation guidelines (Richards et al. 2015 PMID: 25741868, with internal and published modifications).

CeGaT Center for Human Genetics Tuebingen
Classification: Likely benign. Last evaluated: 2025-05-01. Review status: criteria provided, single submitter. Criteria: CeGaT Center For Human Genetics Tuebingen Variant Classification Criteria Version 2. Collection method: clinical testing. Allele origin: germline. Affected: yes. Observed: 1 variant allele.
Comment: NDRG1: BP4, BP7

Ambry Genetics
Classification: Likely benign for Inborn genetic diseases. Last evaluated: 2019-07-11. Review status: criteria provided, single submitter. Criteria: Ambry Variant Classification Scheme 2023. Collection method: clinical testing. Allele origin: germline.

Illumina Laboratory Services, Illumina
Classification: Uncertain significance for Charcot-Marie-Tooth disease type 4D. Last evaluated: 2018-01-13. Review status: criteria provided, single submitter. Criteria: ICSL Variant Classification Criteria 13 December 2019. Collection method: clinical testing. Allele origin: germline.

GeneDx
Classification: Likely benign. Last evaluated: 2016-08-02. Review status: criteria provided, single submitter. Criteria: GeneDx Variant Classification (06012015). Collection method: clinical testing. Allele origin: germline. Affected: yes.
Comment: This variant is considered likely benign or benign based on one or more of the following criteria: it is a conservative change, it occurs at a poorly conserved position in the protein, it is predicted to be benign by multiple in silico algorithms, and/or has population frequency not consistent with disease.

Natera, Inc.
Classification: Likely benign for Charcot-Marie-Tooth disease type 4. Last evaluated: 2020-04-15. Review status: no assertion criteria provided. Collection method: clinical testing. Allele origin: germline. Not counted in ClinVar's aggregate classification.

NM_006096.4(NDRG1):c.663C>T (p.Pro221=)

Gene: NDRG1 (N-myc downstream regulated 1; minus strand). Cytogenetic location: 8q24.22.
Variant type: single nucleotide variant.
Coding change: c.663C>T on transcript NM_006096.4 (MANE Select); coding-DNA position 663, C replaced by T.
Protein change: p.Pro221=; no amino-acid change (proline 221 retained).
Molecular consequence: synonymous variant.
Genome position (GRCh38, 1-based): chr8:133,250,475, G>A on the plus strand (C>T on the coding strand, the complement: NDRG1 is on the minus strand). VCF-style: chr8-133250475-G-A. GRCh37 (hg19) VCF-style: chr8-134262718-G-A.
Other names: c.663C>T, p.Pro221= (NM_001135242.2, NM_001374845.1, NM_001374846.1); c.465C>T, p.Pro155= (NM_001258432.2, NM_001374847.1); c.420C>T, p.Pro140= (NM_001258433.2); c.714C>T, p.Pro238= (NM_001374844.1).
Identifiers: ClinVar variation 362036 (VCV000362036.29), dbSNP rs377225752, ClinGen allele CA4886649.